The following is an entry in ClinVar:

NM_005334.3(HCFC1):c.5276A>G (p.Asn1759Ser)

Gene: HCFC1 (host cell factor C1; minus strand). Cytogenetic location: Xq28.
Variant type: single nucleotide variant.
Coding change: c.5276A>G on transcript NM_005334.3 (MANE Select); coding-DNA position 5276, A replaced by G.
Protein change: p.Asn1759Ser; replaces asparagine 1759 with serine.
Molecular consequence: missense variant.
Genome position (GRCh38, 1-based): chrX:153,951,692, T>C on the plus strand (A>G on the coding strand, the complement: HCFC1 is on the minus strand). VCF-style: chrX-153951692-T-C. GRCh37 (hg19) VCF-style: chrX-153217143-T-C.
Other names: short protein forms N1759S.
Identifiers: ClinVar variation 516108 (VCV000516108.15), dbSNP rs782384589, ClinGen allele CA10556816.

ClinVar aggregate classification (germline): Benign/Likely benign. Review status: criteria provided, multiple submitters, no conflicts (2 of 4 stars). 4 submissions from 4 submitters: Benign (1); Likely benign (2). 1 of the submissions does not count toward it. Last evaluated 2025-11-23.

Conditions:
Inborn genetic diseases. Identifiers: MedGen C0950123, MeSH D030342.
HCFC1-related disorder. Also called: HCFC1-related condition.
Methylmalonic acidemia with homocystinuria, type cblX (MAHCX). Also called: INTELLECTUAL DEVELOPMENTAL DISORDER, X-LINKED 3. Identifiers: Orphanet 369962, MedGen C0796208, MONDO:0010657, OMIM 309541.

Allele frequency attached by ClinVar (database versions not stated): TOPMed 0.00074; gnomAD exomes 0.00004 and 0.00013; ExAC 0.00019; 1000 Genomes Project 30x 0.00021; 1000 Genomes Project 0.00026; gnomAD 0.00037 and 0.00040.
gnomAD v4.1: 93 of 1,207,667 alleles (0.0077%); highest among the groups gnomAD compares: Admixed American, 0.17%; 1 homozygote.

Submissions (4):

Labcorp Genetics (formerly Invitae), Labcorp
Classification: Benign for Methylmalonic acidemia with homocystinuria, type cblX. Last evaluated: 2025-11-23. Review status: criteria provided, single submitter. Criteria: Invitae Variant Classification Sherloc (09022015). Collection method: clinical testing. Allele origin: germline.

Ambry Genetics
Classification: Likely benign for Inborn genetic diseases. Last evaluated: 2021-08-30. Review status: criteria provided, single submitter. Criteria: Ambry Variant Classification Scheme 2023. Collection method: clinical testing. Allele origin: germline.

GeneDx
Classification: Likely benign. Last evaluated: 2017-07-07. Review status: criteria provided, single submitter. Criteria: GeneDx Variant Classification (06012015). Collection method: clinical testing. Allele origin: germline. Affected: yes.
Comment: This variant is considered likely benign or benign based on one or more of the following criteria: it is a conservative change, it occurs at a poorly conserved position in the protein, it is predicted to be benign by multiple in silico algorithms, and/or has population frequency not consistent with disease.

PreventionGenetics, part of Exact Sciences
Classification: Likely benign for HCFC1-related condition. Last evaluated: 2020-03-24. Review status: no assertion criteria provided. Collection method: clinical testing. Allele origin: germline. Not counted in ClinVar's aggregate classification.
Comment: This variant is classified as likely benign based on ACMG/AMP sequence variant interpretation guidelines (Richards et al. 2015 PMID: 25741868, with internal and published modifications).